The following is an entry in ClinVar:

NM_138691.3(TMC1):c.1763G>T (p.Trp588Leu)

Gene: TMC1 (transmembrane channel like 1; plus strand). Cytogenetic location: 9q21.13.
Variant type: single nucleotide variant.
Coding change: c.1763G>T on transcript NM_138691.3 (MANE Select); coding-DNA position 1763, G replaced by T.
Protein change: p.Trp588Leu; replaces tryptophan 588 with leucine.
Molecular consequence: missense variant.
Genome position (GRCh38, 1-based): chr9:72,816,210, G>T. VCF-style: chr9-72816210-G-T. GRCh37 (hg19) VCF-style: chr9-75431126-G-T.
Other names: short protein forms W588L.
Identifiers: ClinVar variation 4849184 (VCV004849184.1).
Genomic context (GRCh38, chr9:72,816,210, plus strand): 5'-ACACCGAATTCGACATCAGTGGCAACGTCCTCGCTCTGATCTTCAACCAAGGCATGATCT[G>T]GTAGGCCAGCTGTTGGACAGCTTATCACTTACAGAAAAGCCTCCCAGGTTATTTTTGCAT-3'
Protein context (NP_619636.2, residues 578-598): LALIFNQGMI[Trp588Leu]MGSFFAPSLP

ClinVar aggregate classification (germline): Uncertain significance (1 of 4 stars; one submission).

gnomAD v4.1: 1 of 1,613,436 alleles (0.000062%); highest among the groups gnomAD compares: Non-Finnish European, 0.000085%; no homozygotes.

Submission:

Women's Health and Genetics/Laboratory Corporation of America, LabCorp
Classification: Uncertain significance. Last evaluated: 2026-04-21. Review status: criteria provided, single submitter. Criteria: LabCorp Variant Classification Summary - May 2015. Collection method: clinical testing. Allele origin: germline.
Comment: Variant summary: TMC1 c.1763G>T (p.Trp588Leu) results in a non-conservative amino acid change in the encoded protein sequence. Algorithms developed to predict the effect of missense changes on protein structure and function all suggest that this variant is likely to be disruptive. Several computational tools predict a significant impact on normal splicing: Four predict the variant abolishes a canonical 5' splicing donor site. However, these predictions have yet to be confirmed by functional studies. The variant was absent in 251302 control chromosomes. The available data on variant occurrences in the general population are insufficient to allow any conclusion about variant significance. To our knowledge, no occurrence of c.1763G>T in individuals affected with TMC1-related conditions and no experimental evidence demonstrating its impact on protein function have been reported. No submitters have cited clinical-significance assessments for this variant to ClinVar. Based on the evidence outlined above, the variant was classified as uncertain significance.